The following is an entry in ClinVar:

ClinVar aggregate classification (germline): Pathogenic (1 of 4 stars; one submission).

Conditions:
Familial thoracic aortic aneurysm and aortic dissection (TAAD). Also called: Thoracic aortic aneurysms and dissections. Identifiers: Orphanet 91387, MedGen C4707243, MONDO:0019625.

Submission:

Labcorp Genetics (formerly Invitae), Labcorp
Classification: Pathogenic for Familial thoracic aortic aneurysm and aortic dissection. Last evaluated: 2026-01-09. Review status: criteria provided, single submitter. Criteria: Invitae Variant Classification Sherloc (09022015). Collection method: clinical testing. Allele origin: germline.
Comment: This sequence change creates a premature translational stop signal (p.Pro209Argfs*32) in the SMAD3 gene. It is expected to result in an absent or disrupted protein product. Loss-of-function variants in SMAD3 are known to be pathogenic (PMID: 21778426, 24804794). This variant is not present in population databases (gnomAD no frequency). This variant has not been reported in the literature in individuals affected with SMAD3-related conditions. ClinVar contains an entry for this variant (Variation ID: 2782526). For these reasons, this variant has been classified as Pathogenic.

Literature cited by the submitters: PubMed 21778426; PubMed 24804794.

NM_005902.4(SMAD3):c.626del (p.Pro209fs)

Gene: SMAD3 (SMAD family member 3; plus strand). Cytogenetic location: 15q22.33.
Variant type: Deletion.
Coding change: c.626del on transcript NM_005902.4 (MANE Select); coding-DNA position 626, one base deleted (C; older notation c.626delC).
Protein change: p.Pro209fs; shifts the reading frame from proline 209.
Molecular consequence: frameshift variant.
Genome position (GRCh38, 1-based): chr15:67,170,572, C deleted; the last of 4 consecutive C bases (chr15:67,170,569-67,170,572); deleting any one gives the same sequence. VCF-style (leftmost placement, unchanged base first): chr15-67170568-TC-T. GRCh37 (hg19) VCF-style: chr15-67462906-TC-T.
Other names: c.311del, p.Pro104fs (NM_001145102.2, NM_001407016.1); c.494del, p.Pro165fs (NM_001145103.2, NM_001407012.1); c.41del, p.Pro14fs (NM_001145104.2, NM_001407017.1); c.626del, p.Pro209fs (NM_001407011.1, NM_001407013.1); c.479del, p.Pro160fs (NM_001407014.1); c.179del, p.Pro60fs (NM_001407015.1); short protein forms P14fs, P209fs, P165fs, P104fs, P160fs, P60fs.
Identifiers: ClinVar variation 2782526 (VCV002782526.3), dbSNP rs2505239786, ClinGen allele CA2739269534.